The following is an entry in ClinVar:

ClinVar aggregate classification (germline): Uncertain significance (1 of 4 stars; one submission).

Conditions:
Inborn genetic diseases. Identifiers: MedGen C0950123, MeSH D030342.

Submission:

Ambry Genetics
Classification: Uncertain significance for Inborn genetic diseases. Last evaluated: 2021-10-12. Review status: criteria provided, single submitter. Criteria: Ambry Variant Classification Scheme 2023. Collection method: clinical testing. Allele origin: germline.
Comment: The p.R11G variant (also known as c.31C>G), located in coding exon 2 of the SGCD gene, results from a C to G substitution at nucleotide position 31. The arginine at codon 11 is replaced by glycine, an amino acid with dissimilar properties. This amino acid position is conserved. In addition, the in silico prediction for this alteration is inconclusive. Since supporting evidence is limited at this time, the clinical significance of this alteration remains unclear.

NM_000337.6(SGCD):c.31C>G (p.Arg11Gly)

Gene: SGCD (sarcoglycan delta; plus strand). Cytogenetic location: 5q33.3.
Variant type: single nucleotide variant.
Coding change: c.31C>G on transcript NM_000337.6 (MANE Select); coding-DNA position 31, C replaced by G.
Protein change: p.Arg11Gly; replaces arginine 11 with glycine.
Molecular consequence: missense variant.
Genome position (GRCh38, 1-based): chr5:156,344,516, C>G. VCF-style: chr5-156344516-C-G. GRCh37 (hg19) VCF-style: chr5-155771526-C-G.
Other names: c.28C>G, p.Arg10Gly (NM_001128209.2); c.31C>G, p.Arg11Gly (NM_172244.3); short protein forms R10G, R11G.
Identifiers: ClinVar variation 1728780 (VCV001728780.2), dbSNP rs566181541, ClinGen allele CA362007556.